The following is an entry in ClinVar:

ClinVar aggregate classification (germline): Uncertain significance (1 of 4 stars; one submission).

Submission:

Labcorp Genetics (formerly Invitae), Labcorp
Classification: Uncertain significance. Last evaluated: 2022-08-21. Review status: criteria provided, single submitter. Criteria: Invitae Variant Classification Sherloc (09022015). Collection method: clinical testing. Allele origin: germline.
Comment: In summary, the available evidence is currently insufficient to determine the role of this variant in disease. Therefore, it has been classified as a Variant of Uncertain Significance. Algorithms developed to predict the effect of missense changes on protein structure and function output the following: SIFT: "Deleterious"; PolyPhen-2: "Benign"; Align-GVGD: "Class C0". The methionine amino acid residue is found in multiple mammalian species, which suggests that this missense change does not adversely affect protein function. This variant has not been reported in the literature in individuals affected with HMCN1-related conditions. This variant is not present in population databases (gnomAD no frequency). This sequence change replaces valine, which is neutral and non-polar, with methionine, which is neutral and non-polar, at codon 2021 of the HMCN1 protein (p.Val2021Met).

NM_031935.3(HMCN1):c.6061G>A (p.Val2021Met)

Gene: HMCN1 (hemicentin 1; plus strand). Cytogenetic location: 1q31.1.
Variant type: single nucleotide variant.
Coding change: c.6061G>A on transcript NM_031935.3 (MANE Select); coding-DNA position 6061, G replaced by A.
Protein change: p.Val2021Met; replaces valine 2021 with methionine.
Molecular consequence: missense variant.
Genome position (GRCh38, 1-based): chr1:186,039,760, G>A. VCF-style: chr1-186039760-G-A. GRCh37 (hg19) VCF-style: chr1-186008892-G-A.
Other names: short protein forms V2021M.
Identifiers: ClinVar variation 1941736 (VCV001941736.5), dbSNP rs2527642019, ClinGen allele CA343898651.